The following is an entry in ClinVar:

GRCh37/hg19 6q27(chr6:170331096-170919482)x1

Genes: DLL1 (delta like canonical Notch ligand 1; minus strand), FAM120B (family with sequence similarity 120 member B; plus strand), PDCD2 (programmed cell death 2; minus strand), PSMB1 (proteasome 20S subunit beta 1; minus strand), TBP (TATA-box binding protein; plus strand). Cytogenetic location: 6q27.
Variant type: copy number loss.
Change: copy number 1 (one copy instead of two) of chr6:170,331,096-170,919,482 (588.4 kb, GRCh37 coordinates, 1-based), cytogenetic band 6q27.
Identifiers: ClinVar variation 814909 (VCV000814909.2).

ClinVar aggregate classification (germline): Pathogenic (1 of 4 stars; one submission).

Submission:

Quest Diagnostics Nichols Institute San Juan Capistrano
Classification: Pathogenic. Last evaluated: 2024-06-14. Review status: criteria provided, single submitter. Criteria: ACMG/ClinGen CNV Guidelines, 2019. Collection method: clinical testing. Allele origin: unknown.
Comment: This copy number loss involves gene DLL1 (OMIM 606582). Haploinsufficiency of DLL1 has been associated with autosomal dominant neurodevelopmental disorder with nonspecific brain abnormalities and with or without seizures (NEDBAS; OMIM 618709, Rehm 2015, Fischer-Zirnsak 2019). Thus, this CNV is classified as pathogenic. References: Fischer-Zirnsak et al. Am J Hum Genet. 2019;105(3):631-639. PMID: 31353024; Rehm et al., N Engl J Med. 2015 Jun 4;372(23):2235-42. PMID: 26014595 (HGNC:2908)